The following is an entry in ClinVar:

NM_032043.3(BRIP1):c.763C>T (p.Gln255Ter)

Gene: BRIP1 (BRCA1 interacting DNA helicase 1; minus strand). Cytogenetic location: 17q23.2.
Variant type: single nucleotide variant.
Coding change: c.763C>T on transcript NM_032043.3 (MANE Select); coding-DNA position 763, C replaced by T.
Protein change: p.Gln255Ter; replaces glutamine 255 with a stop codon.
Molecular consequence: nonsense.
Genome position (GRCh38, 1-based): chr17:61,808,622, G>A on the plus strand (C>T on the coding strand, the complement: BRIP1 is on the minus strand). VCF-style: chr17-61808622-G-A. GRCh37 (hg19) VCF-style: chr17-59885983-G-A.
Other names: short protein forms Q255*.
Identifiers: ClinVar variation 920144 (VCV000920144.3), dbSNP rs1603346830, ClinGen allele CA400484960.

ClinVar aggregate classification (germline): Pathogenic (1 of 4 stars; one submission).

Conditions:
Hereditary cancer-predisposing syndrome. Also called: Neoplastic Syndromes, Hereditary; Tumor predisposition; Hereditary Cancer Syndrome; Hereditary neoplastic syndrome. Identifiers: Orphanet 140162, MedGen C0027672, MeSH D009386, MONDO:0015356.

Submission:

Color Diagnostics, LLC DBA Color Health
Classification: Pathogenic for Hereditary cancer-predisposing syndrome. Last evaluated: 2019-08-13. Review status: criteria provided, single submitter. Criteria: ACMG Guidelines, 2015. Collection method: clinical testing. Allele origin: germline.
Comment: This variant changes 1 nucleotide in exon 7 of the BRIP1 gene, creating a premature translation stop signal. This variant is expected to result in an absent or non-functional protein product. Computational splicing tools suggest that this variant may not impact RNA splicing. To our knowledge, functional assays have not been performed for this variant nor has this variant been reported in individuals affected with hereditary cancer in the literature. This variant has not been identified in the general population by the Genome Aggregation Database (gnomAD). Loss of BRIP1 function is a known mechanism of disease. Based on available evidence, this variant is classified as Pathogenic.